The following is an entry in ClinVar:

NM_001453.3(FOXC1):c.1338CGG[5] (p.Gly454_Gly456del)

Gene: FOXC1 (forkhead box C1; plus strand). Cytogenetic location: 6p25.3.
Variant type: Microsatellite.
Coding change: c.1338CGG[5] on transcript NM_001453.3 (MANE Select); five copies in a row of the 3-base unit CGG starting at c.1338; the reference has eight copies in a row; three copies, 9 bases deleted.
Protein change: p.Gly454_Gly456del.
Molecular consequence: inframe deletion.
Genome position (GRCh38, 1-based): chr6:1,611,798-1,611,806, CGGCGGCGG deleted; deleting any 9 consecutive bases within chr6:1,611,783-1,611,806 gives the same sequence; the position shown is the placement nearest the transcript's 3' end. VCF-style (leftmost placement, unchanged base first): chr6-1611782-ACGGCGGCGG-A. GRCh37 (hg19) VCF-style: chr6-1612017-ACGGCGGCGG-A.
Other names: c.1353_1361del9 (NM_001453.2).
Identifiers: ClinVar variation 598622 (VCV000598622.39), dbSNP rs398123612, ClinGen allele CA565356217.
Genomic context (GRCh38, chr6:1,611,782, plus strand): 5'-ACCCCCTGCCCGACTACTCTCTGCCTCCGGTCACCAGCAGCAGCTCGTCGTCCCTGAGTC[ACGGCGGCGG>A]CGGCGGCGGCGGCGGGGGAGGCCAGGAGGCCGGCCACCACCCTGCGGCCCACCAAGGCCG-3'

ClinVar aggregate classification (germline): Likely benign. Review status: criteria provided, multiple submitters, no conflicts (2 of 4 stars). 6 submissions from 6 submitters: Likely benign (5). 1 of the submissions does not count toward it. Last evaluated 2026-02-01.

Conditions:
Axenfeld-Rieger syndrome type 3 (RIEG3). Also called: AXENFELD-RIEGER ANOMALY WITH CARDIAC DEFECTS AND/OR SENSORINEURAL HEARING LOSS. Identifiers: Orphanet 782, MedGen C2678503, MONDO:0011233, OMIM 602482.
FOXC1-related disorder. Also called: FOXC1-related condition.

Submissions (6):

Labcorp Genetics (formerly Invitae), Labcorp
Classification: Likely benign for Axenfeld-Rieger syndrome type 3. Last evaluated: 2026-02-01. Review status: criteria provided, single submitter. Criteria: Invitae Variant Classification Sherloc (09022015). Collection method: clinical testing. Allele origin: germline.

Blueprint Genetics
Classification: Likely benign. Last evaluated: 2024-07-19. Review status: criteria provided, single submitter. Criteria: ACMG Guidelines, 2015. Collection method: clinical testing. Allele origin: germline.

CeGaT Center for Human Genetics Tuebingen
Classification: Likely benign. Last evaluated: 2024-01-01. Review status: criteria provided, single submitter. Criteria: CeGaT Center For Human Genetics Tuebingen Variant Classification Criteria Version 2. Collection method: clinical testing. Allele origin: germline. Affected: yes. Observed: 1 variant allele.
Comment: FOXC1: BS1

GeneDx
Classification: Likely benign. Last evaluated: 2020-05-19. Review status: criteria provided, single submitter. Criteria: GeneDx Variant Classification Process June 2021. Collection method: clinical testing. Allele origin: germline. Affected: yes.
Comment: In-frame deletion in a repetitive region with no known function; Has not been previously published as pathogenic or benign to our knowledge

Eurofins Ntd Llc (ga)
Classification: Likely benign. Last evaluated: 2018-09-11. Review status: criteria provided, single submitter. Criteria: EGL ClinVar v180209 classification definitions. Collection method: clinical testing. Allele origin: germline. Observed: 1 variant allele, 1 heterozygote.

PreventionGenetics, part of Exact Sciences
Classification: Benign for FOXC1-related condition. Last evaluated: 2019-10-31. Review status: no assertion criteria provided. Collection method: clinical testing. Allele origin: germline. Not counted in ClinVar's aggregate classification.
Comment: This variant is classified as benign based on ACMG/AMP sequence variant interpretation guidelines (Richards et al. 2015 PMID: 25741868, with internal and published modifications).